The following is an entry in ClinVar:

NM_020461.4(TUBGCP6):c.4627C>G (p.Leu1543Val)

Gene: TUBGCP6 (tubulin gamma complex component 6; minus strand). Cytogenetic location: 22q13.33.
Variant type: single nucleotide variant.
Coding change: c.4627C>G on transcript NM_020461.4 (MANE Select); coding-DNA position 4627, C replaced by G.
Protein change: p.Leu1543Val; replaces leucine 1543 with valine.
Molecular consequence: missense variant.
Genome position (GRCh38, 1-based): chr22:50,218,897, G>C on the plus strand (C>G on the coding strand, the complement: TUBGCP6 is on the minus strand). VCF-style: chr22-50218897-G-C. GRCh37 (hg19) VCF-style: chr22-50657326-G-C.
Other names: short protein forms L1543V.
Identifiers: ClinVar variation 1015155 (VCV001015155.8), dbSNP rs2064465276, ClinGen allele CA412169410.

ClinVar aggregate classification (germline): Uncertain significance (1 of 4 stars; one submission).

Allele frequency attached by ClinVar (database versions not stated): gnomAD exomes 0.00001.
gnomAD v4.1: 7 of 1,608,544 alleles (0.00044%); highest among the groups gnomAD compares: Admixed American, 0.0033%; no homozygotes.

Submission:

Labcorp Genetics (formerly Invitae), Labcorp
Classification: Uncertain significance. Last evaluated: 2022-02-03. Review status: criteria provided, single submitter. Criteria: Invitae Variant Classification Sherloc (09022015). Collection method: clinical testing. Allele origin: germline.
Comment: In summary, the available evidence is currently insufficient to determine the role of this variant in disease. Therefore, it has been classified as a Variant of Uncertain Significance. Algorithms developed to predict the effect of sequence changes on RNA splicing suggest that this variant may create or strengthen a splice site. Algorithms developed to predict the effect of missense changes on protein structure and function are either unavailable or do not agree on the potential impact of this missense change (SIFT: "Tolerated"; PolyPhen-2: "Possibly Damaging"; Align-GVGD: "Class C0"). ClinVar contains an entry for this variant (Variation ID: 1015155). This variant has not been reported in the literature in individuals affected with TUBGCP6-related conditions. This variant is not present in population databases (gnomAD no frequency). This sequence change replaces leucine, which is neutral and non-polar, with valine, which is neutral and non-polar, at codon 1543 of the TUBGCP6 protein (p.Leu1543Val).